The following is an entry in ClinVar:

ClinVar aggregate classification (germline): Uncertain significance. Review status: criteria provided, multiple submitters, no conflicts (2 of 4 stars). 2 submissions from 2 submitters: Uncertain significance (2). Last evaluated 2025-12-24.

Conditions:
Hereditary cancer-predisposing syndrome. Also called: Hereditary neoplastic syndrome; Hereditary Cancer Syndrome; Neoplastic Syndromes, Hereditary; Tumor predisposition. Identifiers: Orphanet 140162, MedGen C0027672, MeSH D009386, MONDO:0015356.
Neuroblastoma, susceptibility to, 3. Also called: ALK-Related Neuroblastic Tumor Susceptibility. Identifiers: Orphanet 635, MedGen C2751681, MONDO:0013083, OMIM 613014.

Allele frequency attached by ClinVar (database versions not stated): TOPMed below 0.00001; gnomAD 0.00001.
gnomAD v4.1: 1 of 1,613,902 alleles (0.000062%); highest among the groups gnomAD compares: Non-Finnish European, 0.000085%; no homozygotes.

Submissions (2):

Labcorp Genetics (formerly Invitae), Labcorp
Classification: Uncertain significance for Neuroblastoma, susceptibility to, 3. Last evaluated: 2025-12-24. Review status: criteria provided, single submitter. Criteria: Invitae Variant Classification Sherloc (09022015). Collection method: clinical testing. Allele origin: germline.
Comment: This sequence change replaces glycine, which is neutral and non-polar, with aspartic acid, which is acidic and polar, at codon 1236 of the ALK protein (p.Gly1236Asp). This variant is not present in population databases (gnomAD no frequency). This variant has not been reported in the literature in individuals affected with ALK-related conditions. ClinVar contains an entry for this variant (Variation ID: 3016533). An algorithm developed to predict the effect of missense changes on protein structure and function (PolyPhen-2) suggests that this variant is likely to be disruptive. In summary, the available evidence is currently insufficient to determine the role of this variant in disease. Therefore, it has been classified as a Variant of Uncertain Significance.

Ambry Genetics
Classification: Uncertain significance for Hereditary cancer-predisposing syndrome. Last evaluated: 2024-03-25. Review status: criteria provided, single submitter. Criteria: Ambry Variant Classification Scheme 2023. Collection method: clinical testing. Allele origin: germline.
Comment: The p.G1236D variant (also known as c.3707G>A), located in coding exon 24 of the ALK gene, results from a G to A substitution at nucleotide position 3707. The glycine at codon 1236 is replaced by aspartic acid, an amino acid with similar properties. This amino acid position is conserved. In addition, this alteration is predicted to be deleterious by in silico analysis. Based on the available evidence, the clinical significance of this alteration remains unclear.

NM_004304.5(ALK):c.3707G>A (p.Gly1236Asp)

Gene: ALK (ALK receptor tyrosine kinase; minus strand). Cytogenetic location: 2p23.2.
Variant type: single nucleotide variant.
Coding change: c.3707G>A on transcript NM_004304.5 (MANE Select); coding-DNA position 3707, G replaced by A.
Protein change: p.Gly1236Asp; replaces glycine 1236 with aspartic acid.
Molecular consequence: missense variant.
Genome position (GRCh38, 1-based): chr2:29,214,020, C>T on the plus strand (G>A on the coding strand, the complement: ALK is on the minus strand). VCF-style: chr2-29214020-C-T. GRCh37 (hg19) VCF-style: chr2-29436886-C-T.
Other names: c.3707G>A (NM_004304.4); c.503G>A, p.Gly168Asp (NM_001353765.2); short protein forms G1236D, G168D.
Identifiers: ClinVar variation 3016533 (VCV003016533.4), dbSNP rs1669533637, ClinGen allele CA346471342.